The following is an entry in ClinVar:

NM_032043.3(BRIP1):c.2124G>A (p.Trp708Ter)

Gene: BRIP1 (BRCA1 interacting DNA helicase 1; minus strand). Cytogenetic location: 17q23.2.
Variant type: single nucleotide variant.
Coding change: c.2124G>A on transcript NM_032043.3 (MANE Select); coding-DNA position 2124, G replaced by A.
Protein change: p.Trp708Ter; replaces tryptophan 708 with a stop codon.
Molecular consequence: nonsense.
Genome position (GRCh38, 1-based): chr17:61,744,565, C>T on the plus strand (G>A on the coding strand, the complement: BRIP1 is on the minus strand). VCF-style: chr17-61744565-C-T. GRCh37 (hg19) VCF-style: chr17-59821926-C-T.
Other names: short protein forms W708*.
Identifiers: ClinVar variation 2577855 (VCV002577855.3), dbSNP rs2077034033, ClinGen allele CA400483289.

ClinVar aggregate classification (germline): Pathogenic/Likely pathogenic. Review status: criteria provided, multiple submitters, no conflicts (2 of 4 stars). 2 submissions from 2 submitters: Pathogenic (1); Likely pathogenic (1). Last evaluated 2023-06-22.

Conditions:
Familial cancer of breast. Also called: Hereditary breast cancer; BREAST CANCER, FAMILIAL; hereditary breast carcinoma. Identifiers: Orphanet 227535, MedGen C0346153, MONDO:0016419, OMIM 114480. Disease mechanism: loss of function.

Submissions (2):

St. Jude Molecular Pathology, St. Jude Children's Research Hospital
Classification: Likely pathogenic for Familial cancer of breast. Last evaluated: 2023-06-22. Review status: criteria provided, single submitter. Criteria: St. Jude Assertion Criteria 2020. Collection method: clinical testing. Allele origin: germline.
Comment: The BRIP1 c.2124G>A (p.Trp708Ter) is a nonsense variant that is predicted to cause premature protein truncation and loss of normal protein function. To our knowledge, this variant has not been reported in the literature in individuals with BRIP1-related disease. This variant is absent in gnomAD v2.1.1. In summary, this variant meets criteria to be classified as likely pathogenic.?

Myriad Genetics, Inc.
Classification: Pathogenic for Familial cancer of breast. Last evaluated: 2023-06-06. Review status: criteria provided, single submitter. Criteria: Myriad Autosomal Dominant, Autosomal Recessive and X-Linked Classification Criteria (2023). Collection method: clinical testing. Allele origin: unknown.
Comment: This variant is considered pathogenic. This variant creates a termination codon and is predicted to result in premature protein truncation.